The following is an entry in ClinVar:

NM_004304.5(ALK):c.2317A>C (p.Ile773Leu)

Gene: ALK (ALK receptor tyrosine kinase; minus strand). Cytogenetic location: 2p23.2.
Variant type: single nucleotide variant.
Coding change: c.2317A>C on transcript NM_004304.5 (MANE Select); coding-DNA position 2317, A replaced by C.
Protein change: p.Ile773Leu; replaces isoleucine 773 with leucine.
Molecular consequence: missense variant.
Genome position (GRCh38, 1-based): chr2:29,239,718, T>G on the plus strand (A>C on the coding strand, the complement: ALK is on the minus strand). VCF-style: chr2-29239718-T-G. GRCh37 (hg19) VCF-style: chr2-29462584-T-G.
Other names: c.2317A>C (NM_004304.4); short protein forms I773L.
Identifiers: ClinVar variation 2193684 (VCV002193684.5), dbSNP rs1315391305, ClinGen allele CA346474327.

ClinVar aggregate classification (germline): Uncertain significance. Review status: criteria provided, multiple submitters, no conflicts (2 of 4 stars). 2 submissions from 2 submitters: Uncertain significance (2). Last evaluated 2026-01-06.

Conditions:
Hereditary cancer-predisposing syndrome. Also called: Neoplastic Syndromes, Hereditary; Hereditary Cancer Syndrome; Hereditary neoplastic syndrome; Tumor predisposition. Identifiers: Orphanet 140162, MedGen C0027672, MeSH D009386, MONDO:0015356.
Neuroblastoma, susceptibility to, 3. Also called: ALK-Related Neuroblastic Tumor Susceptibility. Identifiers: Orphanet 635, MedGen C2751681, MONDO:0013083, OMIM 613014.

Submissions (2):

Labcorp Genetics (formerly Invitae), Labcorp
Classification: Uncertain significance for Neuroblastoma, susceptibility to, 3. Last evaluated: 2026-01-06. Review status: criteria provided, single submitter. Criteria: Invitae Variant Classification Sherloc (09022015). Collection method: clinical testing. Allele origin: germline.
Comment: This sequence change replaces isoleucine, which is neutral and non-polar, with leucine, which is neutral and non-polar, at codon 773 of the ALK protein (p.Ile773Leu). This variant is not present in population databases (gnomAD no frequency). This variant has not been reported in the literature in individuals affected with ALK-related conditions. ClinVar contains an entry for this variant (Variation ID: 2193684). An algorithm developed to predict the effect of missense changes on protein structure and function (PolyPhen-2) suggests that this variant is likely to be tolerated. In summary, the available evidence is currently insufficient to determine the role of this variant in disease. Therefore, it has been classified as a Variant of Uncertain Significance.

Ambry Genetics
Classification: Uncertain significance for Hereditary cancer-predisposing syndrome. Last evaluated: 2023-04-11. Review status: criteria provided, single submitter. Criteria: Ambry Variant Classification Scheme 2023. Collection method: clinical testing. Allele origin: germline.
Comment: The p.I773L variant (also known as c.2317A>C), located in coding exon 13 of the ALK gene, results from an A to C substitution at nucleotide position 2317. The isoleucine at codon 773 is replaced by leucine, an amino acid with highly similar properties. This amino acid position is conserved. In addition, this alteration is predicted to be tolerated by in silico analysis. Since supporting evidence is limited at this time, the clinical significance of this alteration remains unclear.